The following is an entry in ClinVar:

NM_001376.5(DYNC1H1):c.4471G>A (p.Asp1491Asn)

Gene: DYNC1H1 (dynein cytoplasmic 1 heavy chain 1; plus strand). Cytogenetic location: 14q32.31.
Variant type: single nucleotide variant.
Coding change: c.4471G>A on transcript NM_001376.5 (MANE Select); coding-DNA position 4471, G replaced by A.
Protein change: p.Asp1491Asn; replaces aspartic acid 1491 with asparagine.
Molecular consequence: missense variant.
Genome position (GRCh38, 1-based): chr14:102,001,610, G>A. VCF-style: chr14-102001610-G-A. GRCh37 (hg19) VCF-style: chr14-102467947-G-A.
Other names: short protein forms D1491N.
Identifiers: ClinVar variation 1969423 (VCV001969423.5), dbSNP rs2503731311, ClinGen allele CA391042600.

ClinVar aggregate classification (germline): Uncertain significance (1 of 4 stars; one submission).

Conditions:
Charcot-Marie-Tooth disease axonal type 2O. Also called: CHARCOT-MARIE-TOOTH NEUROPATHY, AXONAL, TYPE 2O; CHARCOT-MARIE-TOOTH DISEASE, AXONAL, AUTOSOMAL DOMINANT, TYPE 2O; Charcot-Marie-Tooth Neuropathy Type 2O; Charcot-Marie-Tooth disease, axonal, type 20. Identifiers: Orphanet 284232, MedGen C3280220, MONDO:0013644, OMIM 614228.

Submission:

Labcorp Genetics (formerly Invitae), Labcorp
Classification: Uncertain significance for Charcot-Marie-Tooth disease axonal type 2O. Last evaluated: 2022-06-28. Review status: criteria provided, single submitter. Criteria: Invitae Variant Classification Sherloc (09022015). Collection method: clinical testing. Allele origin: germline.
Comment: In summary, the available evidence is currently insufficient to determine the role of this variant in disease. Therefore, it has been classified as a Variant of Uncertain Significance. Algorithms developed to predict the effect of missense changes on protein structure and function are either unavailable or do not agree on the potential impact of this missense change (SIFT: "Deleterious"; PolyPhen-2: "Probably Damaging"; Align-GVGD: "Class C0"). This variant has not been reported in the literature in individuals affected with DYNC1H1-related conditions. This variant is not present in population databases (gnomAD no frequency). This sequence change replaces aspartic acid, which is acidic and polar, with asparagine, which is neutral and polar, at codon 1491 of the DYNC1H1 protein (p.Asp1491Asn).